The following is an entry in ClinVar:

NM_001061.7(TBXAS1):c.1279G>A (p.Ala427Thr)

Gene: TBXAS1 (thromboxane A synthase 1; plus strand). Cytogenetic location: 7q34.
Variant type: single nucleotide variant.
Coding change: c.1279G>A on transcript NM_001061.7 (MANE Select); coding-DNA position 1279, G replaced by A.
Protein change: p.Ala427Thr; replaces alanine 427 with threonine.
Molecular consequence: missense variant.
Genome position (GRCh38, 1-based): chr7:140,015,775, G>A. VCF-style: chr7-140015775-G-A. GRCh37 (hg19) VCF-style: chr7-139715575-G-A.
Other names: c.1279G>A, p.Ala427Thr (NM_001130966.5, NM_030984.6); c.1417G>A, p.Ala473Thr (NM_001166253.4); c.1078G>A, p.Ala360Thr (NM_001166254.4); c.1222G>A, p.Ala408Thr (NM_001314028.4); c.1096G>A, p.Ala366Thr (NM_001366537.3); c.1282G>A (NM_001061.4); short protein forms A427T, A366T, A473T, A408T, A360T.
Identifiers: ClinVar variation 1371893 (VCV001371893.12), dbSNP rs2286199, ClinGen allele CA4511972.
Genomic context (GRCh38, chr7:140,015,775, plus strand): 5'-TCCCTCAGATTCACACGGGAGGCAGCTCAGGACTGCGAGGTGCTGGGGCAGCGCATCCCC[G>A]CAGGCGCTGTGCTAGAGATGGCCGTGGGTGCCCTGCACCATGACCCTGAGCACTGGCCAA-3'
Protein context (NP_001052.3, residues 417-437): DCEVLGQRIP[Ala427Thr]GAVLEMAVGA

ClinVar aggregate classification (germline): Uncertain significance. Review status: criteria provided, multiple submitters, no conflicts (2 of 4 stars). 5 submissions from 5 submitters: Uncertain significance (4). 1 of the submissions does not count toward it. Last evaluated 2026-09-04.

Conditions:
TBXAS1-related disorder. Also called: TBXAS1-related condition.
Ghosal hematodiaphyseal dysplasia. Also called: Ghosal hematodiaphyseal syndrome. Identifiers: Orphanet 1802, MedGen C1856465, MONDO:0009274, OMIM 231095.

Allele frequency attached by ClinVar (database versions not stated): gnomAD 0.00025 and 0.00019; gnomAD exomes 0.00030 and 0.00059; 1000 Genomes Project 30x 0.00047; TOPMed 0.00023; ExAC 0.00035; 1000 Genomes Project 0.00060.
gnomAD v4.1: 882 of 1,613,530 alleles (0.055%); highest among the groups gnomAD compares: East Asian, 0.76%; 3 homozygotes.

Submissions (5):

GeneDx
Classification: Uncertain significance. Last evaluated: 2026-09-04. Review status: criteria provided, single submitter. Criteria: GeneDx Variant Classification Process June 2021. Collection method: clinical testing. Allele origin: germline.
Comment: In silico analysis suggests that this missense variant does not alter protein structure/function; This variant is associated with the following publications: (PMID: 12181638)

Women's Health and Genetics/Laboratory Corporation of America, LabCorp
Classification: Uncertain significance. Last evaluated: 2026-01-19. Review status: criteria provided, single submitter. Criteria: LabCorp Variant Classification Summary - May 2015. Collection method: clinical testing. Allele origin: germline.
Comment: Variant summary: TBXAS1 c.1279G>A (p.Ala427Thr) results in a non-conservative amino acid change in the encoded protein sequence. Algorithms developed to predict the effect of missense changes on protein structure and function all suggest that this variant is likely to be disruptive. The variant allele was found at a frequency of 0.0003 in 250424 control chromosomes, predominantly at a frequency of 0.0012 within the East Asian subpopulation in the gnomAD database. This frequency is not significantly higher than estimated for disease-causing variants in TBXAS1, allowing no conclusion about variant significance. To our knowledge, no occurrence of c.1279G>A in individuals affected with TBXAS1-related conditions and no experimental evidence demonstrating its impact on protein function have been reported. ClinVar contains an entry for this variant (Variation ID: 1371893). Based on the evidence outlined above, the variant was classified as uncertain significance.

Fulgent Genetics
Classification: Uncertain significance for Ghosal hematodiaphyseal dysplasia. Last evaluated: 2024-06-21. Review status: criteria provided, single submitter. Criteria: ACMG Guidelines, 2015. Collection method: clinical testing. Allele origin: germline.

Labcorp Genetics (formerly Invitae), Labcorp
Classification: Uncertain significance. Last evaluated: 2022-08-31. Review status: criteria provided, single submitter. Criteria: Invitae Variant Classification Sherloc (09022015). Collection method: clinical testing. Allele origin: germline.
Comment: This sequence change replaces alanine, which is neutral and non-polar, with threonine, which is neutral and polar, at codon 428 of the TBXAS1 protein (p.Ala428Thr). This variant is present in population databases (rs2286199, gnomAD 0.1%). This variant has not been reported in the literature in individuals affected with TBXAS1-related conditions. ClinVar contains an entry for this variant (Variation ID: 1371893). Algorithms developed to predict the effect of missense changes on protein structure and function are either unavailable or do not agree on the potential impact of this missense change (SIFT: "Tolerated"; PolyPhen-2: "Probably Damaging"; Align-GVGD: "Class C0"). In summary, the available evidence is currently insufficient to determine the role of this variant in disease. Therefore, it has been classified as a Variant of Uncertain Significance.

PreventionGenetics, part of Exact Sciences
Classification: Likely benign for TBXAS1-related condition. Last evaluated: 2024-05-09. Review status: no assertion criteria provided. Collection method: clinical testing. Allele origin: germline. Not counted in ClinVar's aggregate classification.
Comment: This variant is classified as likely benign based on ACMG/AMP sequence variant interpretation guidelines (Richards et al. 2015 PMID: 25741868, with internal and published modifications).